The following is an entry in ClinVar:

NM_000059.4(BRCA2):c.4806A>C (p.Lys1602Asn)

Gene: BRCA2 (BRCA2 DNA repair associated; plus strand). Cytogenetic location: 13q13.1.
Variant type: single nucleotide variant.
Coding change: c.4806A>C on transcript NM_000059.4 (MANE Select); coding-DNA position 4806, A replaced by C.
Protein change: p.Lys1602Asn; replaces lysine 1602 with asparagine.
Molecular consequence: missense variant. On other transcripts: non-coding transcript variant (1), intron variant (2).
Genome position (GRCh38, 1-based): chr13:32,339,161, A>C. VCF-style: chr13-32339161-A-C. GRCh37 (hg19) VCF-style: chr13-32913298-A-C.
Other names: c.4806A>C, p.Lys1602Asn (NM_001406719.1, NM_001406720.1, NM_001432077.1); c.1910-5397A>C (NM_001406721.1); c.425-5397A>C (NM_001406722.1); short protein forms K1602N.
Identifiers: ClinVar variation 3686117 (VCV003686117.2).

ClinVar aggregate classification (germline): Uncertain significance (1 of 4 stars; one submission).

Conditions:
Hereditary breast ovarian cancer syndrome. Also called: Hereditary breast and ovarian cancer syndrome (HBOC); BRCA1- and BRCA2-Associated Hereditary Breast and Ovarian Cancer; Breast and ovarian cancer; Hereditary breast and ovarian cancer; Hereditary breast and ovarian cancer syndrome; Hereditary breast and/or ovarian cancer syndrome. Identifiers: Orphanet 145, MedGen C0677776, MeSH D061325, MONDO:0003582. Disease mechanism: loss of function.

Submission:

Labcorp Genetics (formerly Invitae), Labcorp
Classification: Uncertain significance for Hereditary breast ovarian cancer syndrome. Last evaluated: 2024-02-24. Review status: criteria provided, single submitter. Criteria: Invitae Variant Classification Sherloc (09022015). Collection method: clinical testing. Allele origin: germline.
Comment: This sequence change replaces lysine, which is basic and polar, with asparagine, which is neutral and polar, at codon 1602 of the BRCA2 protein (p.Lys1602Asn). This variant is not present in population databases (gnomAD no frequency). This variant has not been reported in the literature in individuals affected with BRCA2-related conditions. Advanced modeling of protein sequence and biophysical properties (such as structural, functional, and spatial information, amino acid conservation, physicochemical variation, residue mobility, and thermodynamic stability) performed at Invitae indicates that this missense variant is not expected to disrupt BRCA2 protein function with a negative predictive value of 95%. In summary, the available evidence is currently insufficient to determine the role of this variant in disease. Therefore, it has been classified as a Variant of Uncertain Significance.